The following is an entry in ClinVar:

NM_020163.3(SEMA3G):c.506G>A (p.Arg169Gln)

Gene: SEMA3G (semaphorin 3G; minus strand). Cytogenetic location: 3p21.1.
Variant type: single nucleotide variant.
Coding change: c.506G>A on transcript NM_020163.3 (MANE Select); coding-DNA position 506, G replaced by A.
Protein change: p.Arg169Gln; replaces arginine 169 with glutamine.
Molecular consequence: missense variant.
Genome position (GRCh38, 1-based): chr3:52,441,863, C>T on the plus strand (G>A on the coding strand, the complement: SEMA3G is on the minus strand). VCF-style: chr3-52441863-C-T. GRCh37 (hg19) VCF-style: chr3-52475879-C-T.
Other names: short protein forms R169Q.
Identifiers: ClinVar variation 3052429 (VCV003052429.2), dbSNP rs376402670, ClinGen allele CA2438320.

ClinVar aggregate classification (germline): Likely benign (0 of 4 stars; one submission).

Conditions:
SEMA3G-related disorder. Also called: SEMA3G-related condition.

Allele frequency attached by ClinVar (database versions not stated): ESP Exome Variant Server 0.00008; 1000 Genomes Project 30x 0.00047.
gnomAD v4.1: 276 of 1,593,170 alleles (0.017%); highest among the groups gnomAD compares: South Asian, 0.27%; 7 homozygotes.

Submission:

PreventionGenetics, part of Exact Sciences
Classification: Likely benign for SEMA3G-related condition. Last evaluated: 2022-05-27. Review status: no assertion criteria provided. Collection method: clinical testing. Allele origin: germline.
Comment: This variant is classified as likely benign based on ACMG/AMP sequence variant interpretation guidelines (Richards et al. 2015 PMID: 25741868, with internal and published modifications).